The following is an entry in ClinVar:

NM_006892.4(DNMT3B):c.2263G>A (p.Glu755Lys)

Gene: DNMT3B (DNA methyltransferase 3 beta; plus strand). Cytogenetic location: 20q11.21.
Variant type: single nucleotide variant.
Coding change: c.2263G>A on transcript NM_006892.4 (MANE Select); coding-DNA position 2263, G replaced by A.
Protein change: p.Glu755Lys; replaces glutamic acid 755 with lysine.
Molecular consequence: missense variant. On other transcripts: intron variant (3).
Genome position (GRCh38, 1-based): chr20:32,805,369, G>A. VCF-style: chr20-32805369-G-A. GRCh37 (hg19) VCF-style: chr20-31393175-G-A.
Other names: c.2203G>A, p.Glu735Lys (NM_175848.2); c.2239G>A, p.Glu747Lys (NM_175850.3); c.2172-2393G>A (NM_175849.2); c.2046-2393G>A (NM_001207055.2); c.1944-2393G>A (NM_001207056.2); short protein forms E747K, E735K, E755K.
Identifiers: ClinVar variation 1525360 (VCV001525360.4), dbSNP rs764716011, ClinGen allele CA408592157.

ClinVar aggregate classification (germline): Uncertain significance (1 of 4 stars; one submission).

Conditions:
Centromeric instability of chromosomes 1,9 and 16 and immunodeficiency (ICF1). Also called: Immunodeficiency-centromeric instability-facial anomalies; IMMUNE DEFICIENCY, VARIABLE, WITH CENTROMERIC INSTABILITY OF CHROMOSOMES 1, 9, AND 16; IMMUNODEFICIENCY SYNDROME, VARIABLE; CENTROMERIC INSTABILITY, IMMUNODEFICIENCY SYNDROME. Identifiers: Orphanet 2268, MedGen C0398788, MONDO:0000133.

Allele frequency attached by ClinVar (database versions not stated): gnomAD 0.00001; TOPMed 0.00001; gnomAD exomes 0.00002.
gnomAD v4.1: 6 of 1,613,938 alleles (0.00037%); highest among the groups gnomAD compares: Admixed American, 0.0033%; no homozygotes.

Submission:

Labcorp Genetics (formerly Invitae), Labcorp
Classification: Uncertain significance for Centromeric instability of chromosomes 1,9 and 16 and immunodeficiency. Last evaluated: 2022-06-27. Review status: criteria provided, single submitter. Criteria: Invitae Variant Classification Sherloc (09022015). Collection method: clinical testing. Allele origin: germline.
Comment: This sequence change replaces glutamic acid, which is acidic and polar, with lysine, which is basic and polar, at codon 755 of the DNMT3B protein (p.Glu755Lys). This variant is present in population databases (no rsID available, gnomAD 0.009%). In summary, the available evidence is currently insufficient to determine the role of this variant in disease. Therefore, it has been classified as a Variant of Uncertain Significance. Algorithms developed to predict the effect of missense changes on protein structure and function are either unavailable or do not agree on the potential impact of this missense change (SIFT: "Deleterious"; PolyPhen-2: "Probably Damaging"; Align-GVGD: "Class C0"). This variant has not been reported in the literature in individuals affected with DNMT3B-related conditions.